The following is an entry in ClinVar:

ClinVar aggregate classification (germline): Benign/Likely benign. Review status: criteria provided, multiple submitters, no conflicts (2 of 4 stars). 4 submissions from 4 submitters: Benign (1); Likely benign (3). Last evaluated 2025-04-30.

Conditions:
Hereditary diffuse gastric adenocarcinoma (HDGC). Also called: DIFFUSE GASTRIC AND LOBULAR BREAST CANCER SYNDROME. Identifiers: Orphanet 26106, MedGen C1708349, MONDO:0007648, OMIM 137215.
Hereditary cancer-predisposing syndrome. Also called: Neoplastic Syndromes, Hereditary; Tumor predisposition; Hereditary neoplastic syndrome; Hereditary Cancer Syndrome. Identifiers: Orphanet 140162, MedGen C0027672, MeSH D009386, MONDO:0015356.

Allele frequency attached by ClinVar (database versions not stated): ExAC 0.00001; gnomAD 0.00001; gnomAD exomes 0.00001 and below 0.00001; TOPMed below 0.00001.
gnomAD v4.1: 4 of 1,613,966 alleles (0.00025%); highest among the groups gnomAD compares: Non-Finnish European, 0.00034%; no homozygotes.

Submissions (4):

Labcorp Genetics (formerly Invitae), Labcorp
Classification: Likely benign for Hereditary diffuse gastric adenocarcinoma. Last evaluated: 2025-04-30. Review status: criteria provided, single submitter. Criteria: Invitae Variant Classification Sherloc (09022015). Collection method: clinical testing. Allele origin: germline.

Myriad Genetics, Inc.
Classification: Benign for Hereditary diffuse gastric adenocarcinoma. Last evaluated: 2024-09-12. Review status: criteria provided, single submitter. Criteria: Myriad Autosomal Dominant, Autosomal Recessive and X-Linked Classification Criteria (2023). Collection method: clinical testing. Allele origin: unknown.
Comment: This variant is considered benign. This variant is a silent/synonymous amino acid change and it is not expected to impact splicing.

Ambry Genetics
Classification: Likely benign for Hereditary cancer-predisposing syndrome. Last evaluated: 2019-02-19. Review status: criteria provided, single submitter. Criteria: Ambry Variant Classification Scheme 2023. Collection method: clinical testing. Allele origin: germline.

GeneDx
Classification: Likely benign. Last evaluated: 2018-05-31. Review status: criteria provided, single submitter. Criteria: GeneDx Variant Classification (06012015). Collection method: clinical testing. Allele origin: germline. Affected: yes.
Comment: This variant is considered likely benign or benign based on one or more of the following criteria: it is a conservative change, it occurs at a poorly conserved position in the protein, it is predicted to be benign by multiple in silico algorithms, and/or has population frequency not consistent with disease.

NM_004360.5(CDH1):c.357G>C (p.Val119=)

Gene: CDH1 (cadherin 1; plus strand). Cytogenetic location: 16q22.1.
Variant type: single nucleotide variant.
Coding change: c.357G>C on transcript NM_004360.5 (MANE Select); coding-DNA position 357, G replaced by C.
Protein change: p.Val119=; no amino-acid change (valine 119 retained).
Molecular consequence: synonymous variant. On other transcripts: 5 prime UTR variant (2).
Genome position (GRCh38, 1-based): chr16:68,801,863, G>C. VCF-style: chr16-68801863-G-C. GRCh37 (hg19) VCF-style: chr16-68835766-G-C.
Other names: c.357G>C, p.Val119= (NM_001317184.2); c.-1259G>C (NM_001317185.2); c.-1463G>C (NM_001317186.2).
Identifiers: ClinVar variation 669379 (VCV000669379.17), dbSNP rs764499933, ClinGen allele CA8129830.